The following is an entry in ClinVar:

ClinVar aggregate classification (germline): Likely benign (1 of 4 stars; one submission).

Conditions:
Essential fructosuria. Also called: KETOHEXOKINASE DEFICIENCY; HEPATIC FRUCTOKINASE DEFICIENCY. Identifiers: Orphanet 2056, MedGen C0268160, MONDO:0009252, OMIM 229800.

Allele frequency attached by ClinVar (database versions not stated): 1000 Genomes Project 30x 0.00031; 1000 Genomes Project 0.00040; gnomAD exomes 0.00237; gnomAD 0.00058 and 0.00056; TOPMed 0.00139.
gnomAD v4.1: 522 of 1,218,430 alleles (0.043%); highest among the groups gnomAD compares: Admixed American, 1.1%; 9 homozygotes.

Submission:

Illumina Laboratory Services, Illumina
Classification: Likely benign for Essential fructosuria. Last evaluated: 2018-01-12. Review status: criteria provided, single submitter. Criteria: ICSL Variant Classification Criteria 13 December 2019. Collection method: clinical testing. Allele origin: germline.
Comment: This variant was observed in the ICSL laboratory as part of a predisposition screen in an ostensibly healthy population. It had not been previously curated by ICSL or reported in the Human Gene Mutation Database (HGMD: prior to June 1st, 2018), and was therefore a candidate for classification through an automated scoring system. Utilizing variant allele frequency, disease prevalence and penetrance estimates, and inheritance mode, an automated score was calculated to assess if this variant is too frequent to cause the disease. Based on the score and internal cut-off values, a variant classified as likely benign is not then subjected to further curation. The score for this variant resulted in a classification of likely benign for this disease.

NM_006488.3(KHK):c.*623G>A

Genes: KHK (ketohexokinase; plus strand), CGREF1 (cell growth regulator with EF-hand domain 1; minus strand). Cytogenetic location: 2p23.3.
Variant type: single nucleotide variant.
Coding change: c.*623G>A on transcript NM_006488.3 (MANE Select); 623 bases downstream of the stop codon, G replaced by A.
Molecular consequence: 3 prime UTR variant. On other transcripts: intron variant (2).
Genome position (GRCh38, 1-based): chr2:27,100,373, G>A. VCF-style: chr2-27100373-G-A. GRCh37 (hg19) VCF-style: chr2-27323241-G-A.
Other names: c.*623G>A (NM_000221.3); c.*20+43C>T (NM_001301324.2); c.343-533C>T (NM_001166240.2).
Identifiers: ClinVar variation 898435 (VCV000898435.6), dbSNP rs192172107, ClinGen allele CA44472547.